The following is an entry in ClinVar:

ClinVar aggregate classification (germline): Likely benign (1 of 4 stars; one submission).

Allele frequency attached by ClinVar (database versions not stated): TOPMed 0.00001.

Submission:

GeneDx
Classification: Likely benign. Last evaluated: 2016-12-20. Review status: criteria provided, single submitter. Criteria: GeneDx Variant Classification (06012015). Collection method: clinical testing. Allele origin: germline. Affected: yes.
Comment: This variant is considered likely benign or benign based on one or more of the following criteria: it is a conservative change, it occurs at a poorly conserved position in the protein, it is predicted to be benign by multiple in silico algorithms, and/or has population frequency not consistent with disease.

NM_000368.5(TSC1):c.*14A>T

Gene: TSC1 (TSC complex subunit 1; minus strand). Cytogenetic location: 9q34.13.
Variant type: single nucleotide variant.
Coding change: c.*14A>T on transcript NM_000368.5 (MANE Select); 14 bases downstream of the stop codon, A replaced by T.
Molecular consequence: 3 prime UTR variant.
Genome position (GRCh38, 1-based): chr9:132,896,221, T>A on the plus strand (A>T on the coding strand, the complement: TSC1 is on the minus strand). VCF-style: chr9-132896221-T-A. GRCh37 (hg19) VCF-style: chr9-135771608-T-A.
Other names: c.*14A>T (NM_001162426.2, NM_001162427.2, NM_001362177.2).
Identifiers: ClinVar variation 391968 (VCV000391968.1), dbSNP rs200574927, ClinGen allele CA028874.